The following is an entry in ClinVar:

NM_001034850.3(RETREG1):c.1443G>C (p.Gln481His)

Gene: RETREG1 (reticulophagy regulator 1; minus strand). Cytogenetic location: 5p15.1.
Variant type: single nucleotide variant.
Coding change: c.1443G>C on transcript NM_001034850.3 (MANE Select); coding-DNA position 1443, G replaced by C.
Protein change: p.Gln481His; replaces glutamine 481 with histidine.
Molecular consequence: missense variant.
Genome position (GRCh38, 1-based): chr5:16,474,792, C>G on the plus strand (G>C on the coding strand, the complement: RETREG1 is on the minus strand). VCF-style: chr5-16474792-C-G. GRCh37 (hg19) VCF-style: chr5-16474901-C-G.
Other names: c.1020G>C, p.Gln340His (NM_019000.5); short protein forms Q481H, Q340H.
Identifiers: ClinVar variation 451871 (VCV000451871.2), dbSNP rs768588742, ClinGen allele CA3210208.

ClinVar aggregate classification (germline): Uncertain significance (1 of 4 stars; one submission).

Allele frequency attached by ClinVar (database versions not stated): gnomAD exomes 0.00001 and 0.00003; TOPMed 0.00001; ExAC 0.00003.
gnomAD v4.1: 14 of 1,612,886 alleles (0.00087%); highest among the groups gnomAD compares: Non-Finnish European, 0.0011%; no homozygotes.

Submission:

GeneDx
Classification: Uncertain significance. Last evaluated: 2017-09-13. Review status: criteria provided, single submitter. Criteria: GeneDx Variant Classification (06012015). Collection method: clinical testing. Allele origin: germline. Affected: yes.
Comment: A variant of uncertain significance has been identified in the FAM134B gene. The Q481H variant has not been published as a pathogenic variant, nor has it been reported as a benign variant to our knowledge. The Q481H variant is not observed at a significant frequency in large population cohorts (Lek et al., 2016; 1000 Genomes Consortium et al., 2015; Exome Variant Server). The Q481H variant is a semi-conservative amino acid substitution, which may impact secondary protein structure as these residues differ in some properties. This substitution occurs at a position that is not conserved. In silico analysis predicts this variant likely does not alter the protein structure/function. Therefore, based on the currently available information, it is unclear whether this variant is a pathogenic variant or a rare benign variant.